The following is an entry in ClinVar:

NM_001376.5(DYNC1H1):c.8165C>A (p.Pro2722His)

Gene: DYNC1H1 (dynein cytoplasmic 1 heavy chain 1; plus strand). Cytogenetic location: 14q32.31.
Variant type: single nucleotide variant.
Coding change: c.8165C>A on transcript NM_001376.5 (MANE Select); coding-DNA position 8165, C replaced by A.
Protein change: p.Pro2722His; replaces proline 2722 with histidine.
Molecular consequence: missense variant.
Genome position (GRCh38, 1-based): chr14:102,017,492, C>A. VCF-style: chr14-102017492-C-A. GRCh37 (hg19) VCF-style: chr14-102483829-C-A.
Other names: short protein forms P2722H.
Identifiers: ClinVar variation 2698634 (VCV002698634.3), dbSNP rs2503774060, ClinGen allele CA391004600.

ClinVar aggregate classification (germline): Uncertain significance (1 of 4 stars; one submission).

Conditions:
Charcot-Marie-Tooth disease axonal type 2O. Also called: CHARCOT-MARIE-TOOTH NEUROPATHY, AXONAL, TYPE 2O; CHARCOT-MARIE-TOOTH DISEASE, AXONAL, AUTOSOMAL DOMINANT, TYPE 2O; Charcot-Marie-Tooth Neuropathy Type 2O; Charcot-Marie-Tooth disease, axonal, type 20. Identifiers: Orphanet 284232, MedGen C3280220, MONDO:0013644, OMIM 614228.

Submission:

Labcorp Genetics (formerly Invitae), Labcorp
Classification: Uncertain significance for Charcot-Marie-Tooth disease axonal type 2O. Last evaluated: 2024-06-23. Review status: criteria provided, single submitter. Criteria: Invitae Variant Classification Sherloc (09022015). Collection method: clinical testing. Allele origin: germline.
Comment: This sequence change replaces proline, which is neutral and non-polar, with histidine, which is basic and polar, at codon 2722 of the DYNC1H1 protein (p.Pro2722His). This variant is not present in population databases (gnomAD no frequency). This variant has not been reported in the literature in individuals affected with DYNC1H1-related conditions. Advanced modeling of protein sequence and biophysical properties (such as structural, functional, and spatial information, amino acid conservation, physicochemical variation, residue mobility, and thermodynamic stability) performed at Invitae indicates that this missense variant is expected to disrupt DYNC1H1 protein function with a positive predictive value of 95%. In summary, the available evidence is currently insufficient to determine the role of this variant in disease. Therefore, it has been classified as a Variant of Uncertain Significance.